The following is an entry in ClinVar:

NM_001033855.3(DCLRE1C):c.1747A>C (p.Lys583Gln)

Gene: DCLRE1C (DNA cross-link repair 1C; minus strand). Cytogenetic location: 10p13.
Variant type: single nucleotide variant.
Coding change: c.1747A>C on transcript NM_001033855.3 (MANE Select); coding-DNA position 1747, A replaced by C.
Protein change: p.Lys583Gln; replaces lysine 583 with glutamine.
Molecular consequence: missense variant. On other transcripts: non-coding transcript variant (4).
Genome position (GRCh38, 1-based): chr10:14,908,740, T>G on the plus strand (A>C on the coding strand, the complement: DCLRE1C is on the minus strand). VCF-style: chr10-14908740-T-G. GRCh37 (hg19) VCF-style: chr10-14950739-T-G.
Other names: c.1387A>C, p.Lys463Gln (NM_001033857.3, NM_001033858.3, NM_001289077.2 and 2 more transcripts); c.1402A>C, p.Lys468Gln (NM_001289076.2, NM_001289078.2, NM_001350966.2 and 1 more transcripts); c.1747A>C, p.Lys583Gln (NM_001350965.2); short protein forms K583Q, K463Q, K468Q.
Identifiers: ClinVar variation 845579 (VCV000845579.11), dbSNP rs1368413064, ClinGen allele CA376074758.

ClinVar aggregate classification (germline): Uncertain significance. Review status: criteria provided, single submitter (1 of 4 stars). 2 submissions from 2 submitters: Uncertain significance (1). 1 of the submissions does not count toward it. Last evaluated 2022-12-02.

Conditions:
Athabaskan severe combined immunodeficiency (SCIDA). Also called: Severe combined immunodeficiency, athabascan-type. Identifiers: MedGen C1865370.
Severe combined immunodeficiency due to DCLRE1C deficiency (RS-SCID). Also called: SCID, AUTOSOMAL RECESSIVE, T CELL-NEGATIVE, B CELL-NEGATIVE, NK CELL-POSITIVE, WITH SENSITIVITY TO IONIZING RADIATION. Identifiers: Orphanet 275, MedGen C1865371, MONDO:0011225, OMIM 602450.

Allele frequency attached by ClinVar (database versions not stated): gnomAD exomes below 0.00001 and 0.00001.
gnomAD v4.1: 1 of 1,614,240 alleles (0.000062%); highest among the groups gnomAD compares: South Asian, 0.0011%; no homozygotes.

Submissions (2):

Labcorp Genetics (formerly Invitae), Labcorp
Classification: Uncertain significance for Athabaskan severe combined immunodeficiency. Last evaluated: 2022-12-02. Review status: criteria provided, single submitter. Criteria: Invitae Variant Classification Sherloc (09022015). Collection method: clinical testing. Allele origin: germline.
Comment: This sequence change replaces lysine, which is basic and polar, with glutamine, which is neutral and polar, at codon 583 of the DCLRE1C protein (p.Lys583Gln). This variant is present in population databases (no rsID available, gnomAD 0.006%). This variant has not been reported in the literature in individuals affected with DCLRE1C-related conditions. ClinVar contains an entry for this variant (Variation ID: 845579). Algorithms developed to predict the effect of missense changes on protein structure and function (SIFT, PolyPhen-2, Align-GVGD) all suggest that this variant is likely to be tolerated. In summary, the available evidence is currently insufficient to determine the role of this variant in disease. Therefore, it has been classified as a Variant of Uncertain Significance.

Natera, Inc.
Classification: Uncertain significance for Athabascan severe combined immunodeficiency. Last evaluated: 2020-11-11. Review status: no assertion criteria provided. Collection method: clinical testing. Allele origin: germline. Not counted in ClinVar's aggregate classification.